The following is an entry in ClinVar:

ClinVar aggregate classification (germline): Benign/Likely benign. Review status: criteria provided, multiple submitters, no conflicts (2 of 4 stars). 6 submissions from 6 submitters: Benign (1); Likely benign (5). Last evaluated 2026-01-19.

Allele frequency attached by ClinVar (database versions not stated): gnomAD exomes 0.00045 and 0.00090; ExAC 0.00210; gnomAD 0.00348 and 0.00374; ESP Exome Variant Server 0.00377; TOPMed 0.00377; 1000 Genomes Project 0.00499; 1000 Genomes Project 30x 0.00515.
gnomAD v4.1: 1,201 of 1,593,348 alleles (0.075%); highest among the groups gnomAD compares: African/African-American, 1.3%; 9 homozygotes.

Submissions (6):

Labcorp Genetics (formerly Invitae), Labcorp
Classification: Benign. Last evaluated: 2026-01-19. Review status: criteria provided, single submitter. Criteria: Invitae Variant Classification Sherloc (09022015). Collection method: clinical testing. Allele origin: germline.

CeGaT Center for Human Genetics Tuebingen
Classification: Likely benign. Last evaluated: 2025-10-01. Review status: criteria provided, single submitter. Criteria: CeGaT Center For Human Genetics Tuebingen Variant Classification Criteria Version 2. Collection method: clinical testing. Allele origin: germline. Affected: yes. Observed: 1 variant allele.
Comment: DCHS1: BS1

Genomic Medicine Center of Excellence, King Faisal Specialist Hospital and Research Centre
Classification: Likely benign. Last evaluated: 2025-08-18. Review status: criteria provided, single submitter. Criteria: ACMG Guidelines, 2015. Collection method: clinical testing. Allele origin: germline.

GeneDx
Classification: Likely benign. Last evaluated: 2023-12-13. Review status: criteria provided, single submitter. Criteria: GeneDx Variant Classification Process June 2021. Collection method: clinical testing. Allele origin: germline. Affected: yes.
Comment: See Variant Classification Assertion Criteria.

Center for Pediatric Genomic Medicine, Children's Mercy Hospital and Clinics
Classification: Likely benign. Last evaluated: 2017-01-02. Review status: criteria provided, single submitter. Criteria: ACMG Guidelines, 2015. Collection method: clinical testing. Allele origin: germline.
ClinVar note: Converted during submission from Likely Benign to Likely benign.

Breakthrough Genomics
Classification: Likely benign. Review status: criteria provided, single submitter. Criteria: ACMG Guidelines, 2015. Collection method: not provided. Allele origin: germline. Inheritance: Autosomal recessive inheritance. Affected: yes.

NM_003737.4(DCHS1):c.8758G>A (p.Val2920Met)

Gene: DCHS1 (dachsous cadherin-related 1; minus strand). Cytogenetic location: 11p15.4.
Variant type: single nucleotide variant.
Coding change: c.8758G>A on transcript NM_003737.4 (MANE Select); coding-DNA position 8758, G replaced by A.
Protein change: p.Val2920Met; replaces valine 2920 with methionine.
Molecular consequence: missense variant.
Genome position (GRCh38, 1-based): chr11:6,622,918, C>T on the plus strand (G>A on the coding strand, the complement: DCHS1 is on the minus strand). VCF-style: chr11-6622918-C-T. GRCh37 (hg19) VCF-style: chr11-6644149-C-T.
Other names: short protein forms V2920M.
Identifiers: ClinVar variation 376930 (VCV000376930.25), dbSNP rs115534913, ClinGen allele CA5859365.
Genomic context (GRCh38, chr11:6,622,918, plus strand): 5'-CCCCTACTAATAGCAGGTTGAGGTCAGGTGCCAGGCCCAGTGCGGTGTGGGTGATATCCA[C>T]GGTCACAGGCACTGTGGCACTCCGGGAACCAGGCAGAGGCCCCCGTGCTATCACCTCCAG-3'
Protein context (NP_003728.1, residues 2910-2930): GSRSATVPVT[Val2920Met]DITHTALGLA